The following is an entry in ClinVar:

NM_007294.4(BRCA1):c.5194-8T>A

Gene: BRCA1 (BRCA1 DNA repair associated; minus strand). Cytogenetic location: 17q21.31.
Variant type: single nucleotide variant.
Coding change: c.5194-8T>A on transcript NM_007294.4 (MANE Select); 8 bases into the intron before coding-DNA position 5194, T replaced by A.
Molecular consequence: intron variant.
Genome position (GRCh38, 1-based): chr17:43,057,143, A>T on the plus strand (T>A on the coding strand, the complement: BRCA1 is on the minus strand). VCF-style: chr17-43057143-A-T. GRCh37 (hg19) VCF-style: chr17-41209160-A-T.
Other names: c.1741-8T>A (NM_001408458.1, NM_001408461.1, NM_001408464.1 and 7 more transcripts); c.4303-8T>A (NM_001407967.1); c.4813-8T>A (NM_001407959.1); c.4927-8T>A (NM_001407931.1, NM_001407932.1, NM_001407928.1 and 4 more transcripts); c.5050-8T>A (NM_001407747.1, NM_001407745.1, NM_001407737.1 and 21 more transcripts); c.4810-8T>A (NM_001407962.1, NM_001407960.1); c.1381-8T>A (NM_001408512.1); c.1504-8T>A (NM_001408510.1); and 72 more.
Identifiers: ClinVar variation 867823 (VCV000867823.3), dbSNP rs200599235, ClinGen allele CA916081197.

Conditions:
Breast-ovarian cancer, familial, susceptibility to, 1 (BROVCA1). Also called: BRCA1 Hereditary Breast and Ovarian Cancer; OVARIAN CANCER, SUSCEPTIBILITY TO. Identifiers: Orphanet 145, MedGen C2676676, MONDO:0011450, OMIM 604370. Disease mechanism: loss of function.

Submission:

Brotman Baty Institute, University of Washington
No classification provided (evidence only). Condition: Breast-ovarian cancer, familial 1. Review status: no classification provided. Collection method: in vitro. Allele origin: not applicable. Functional consequence: functionally_normal.
ClinVar note: "not provided" was previously submitted as the classification for the variant. However, the classification appeared to be based only on an observation of functional data so it was converted to no classification on 2025-07-30.